The following is an entry in ClinVar:

NM_013432.5(TONSL):c.3487C>T (p.Arg1163Cys)

Gene: TONSL (tonsoku like, DNA repair protein; minus strand). Cytogenetic location: 8q24.3.
Variant type: single nucleotide variant.
Coding change: c.3487C>T on transcript NM_013432.5 (MANE Select); coding-DNA position 3487, C replaced by T.
Protein change: p.Arg1163Cys; replaces arginine 1163 with cysteine.
Molecular consequence: missense variant.
Genome position (GRCh38, 1-based): chr8:144,433,660, G>A on the plus strand (C>T on the coding strand, the complement: TONSL is on the minus strand). VCF-style: chr8-144433660-G-A. GRCh37 (hg19) VCF-style: chr8-145659043-G-A.
Other names: c.3487C>T (NM_013432.4); short protein forms R1163C.
Identifiers: ClinVar variation 1360972 (VCV001360972.7), dbSNP rs781935858, ClinGen allele CA4942499.

ClinVar aggregate classification (germline): Uncertain significance. Review status: criteria provided, multiple submitters, no conflicts (2 of 4 stars). 2 submissions from 2 submitters: Uncertain significance (2). Last evaluated 2025-10-22.

Conditions:
Inborn genetic diseases. Identifiers: MedGen C0950123, MeSH D030342.

Allele frequency attached by ClinVar (database versions not stated): gnomAD 0.00001; gnomAD exomes 0.00001; TOPMed below 0.00001; ExAC 0.00001.

Submissions (2):

Ambry Genetics
Classification: Uncertain significance for Inborn genetic diseases. Last evaluated: 2025-10-22. Review status: criteria provided, single submitter. Criteria: Ambry Variant Classification Scheme 2023. Collection method: clinical testing. Allele origin: germline.

Labcorp Genetics (formerly Invitae), Labcorp
Classification: Uncertain significance. Last evaluated: 2020-12-28. Review status: criteria provided, single submitter. Criteria: Invitae Variant Classification Sherloc (09022015). Collection method: clinical testing. Allele origin: germline.
Comment: This variant is present in population databases (rs781935858, ExAC 0.006%). In summary, the available evidence is currently insufficient to determine the role of this variant in disease. Therefore, it has been classified as a Variant of Uncertain Significance. Algorithms developed to predict the effect of missense changes on protein structure and function (SIFT, PolyPhen-2, Align-GVGD) all suggest that this variant is likely to be disruptive, but these predictions have not been confirmed by published functional studies and their clinical significance is uncertain. This variant has not been reported in the literature in individuals with TONSL-related conditions. This sequence change replaces arginine with cysteine at codon 1163 of the TONSL protein (p.Arg1163Cys). The arginine residue is moderately conserved and there is a large physicochemical difference between arginine and cysteine.